The following is an entry in ClinVar:

NM_000276.4(OCRL):c.926C>T (p.Ala309Val)

Gene: OCRL (OCRL inositol polyphosphate-5-phosphatase; plus strand). Cytogenetic location: Xq26.1.
Variant type: single nucleotide variant.
Coding change: c.926C>T on transcript NM_000276.4 (MANE Select); coding-DNA position 926, C replaced by T.
Protein change: p.Ala309Val; replaces alanine 309 with valine.
Molecular consequence: missense variant.
Genome position (GRCh38, 1-based): chrX:129,561,280, C>T. VCF-style: chrX-129561280-C-T. GRCh37 (hg19) VCF-style: chrX-128695257-C-T.
Other names: c.929C>T, p.Ala310Val (NM_001318784.2); c.926C>T, p.Ala309Val (NM_001587.4); short protein forms A309V, A310V.
Identifiers: ClinVar variation 393270 (VCV000393270.2), dbSNP rs1057524866, ClinGen allele CA16608730.

ClinVar aggregate classification (germline): Uncertain significance (1 of 4 stars; one submission).

Allele frequency attached by ClinVar (database versions not stated): gnomAD exomes below 0.00001 and 0.00001.
gnomAD v4.1: 1 of 1,174,127 alleles (0.000085%); highest among the groups gnomAD compares: Non-Finnish European, 0.00012%; no homozygotes.

Submission:

GeneDx
Classification: Uncertain significance. Last evaluated: 2017-02-01. Review status: criteria provided, single submitter. Criteria: GeneDx Variant Classification (06012015). Collection method: clinical testing. Allele origin: germline. Affected: yes.
Comment: The A309V variant in the OCRL gene has not been reported previously as a pathogenic variant, nor as a benignvariant, to our knowledge. This variant was not observed in approximately 6500 individuals of European and AfricanAmerican ancestry in the NHLBI Exome Sequencing Project, indicating it is not a common benign variant in thesepopulations. The A309V variant is a conservative amino acid substitution, which is not likely to impact secondaryprotein structure as these residues share similar properties, and occurs at a position where amino acids with similarproperties to Alanine are tolerated across species. However, in silico analysis predicts this variant is probablydamaging to the protein structure/function. We interpret A309V as a variant of uncertain significance.